The following is an entry in ClinVar:

ClinVar aggregate classification (germline): Uncertain significance. Review status: criteria provided, multiple submitters, no conflicts (2 of 4 stars). 2 submissions from 2 submitters: Uncertain significance (2). Last evaluated 2022-05-03.

Conditions:
Idiopathic generalized epilepsy. Also called: Generalised epilepsy; EIG. Identifiers: MedGen C0270850, MONDO:0005579, OMIM 600669.
Hyperaldosteronism, familial, type IV (HALD4). Also called: FH IV; ALDOSTERONISM, PRIMARY, AND HYPERTENSION. Identifiers: Orphanet 642671, MedGen C4310756, MONDO:0014875, OMIM 617027.

Submissions (2):

GeneDx
Classification: Uncertain significance. Last evaluated: 2022-05-03. Review status: criteria provided, single submitter. Criteria: GeneDx Variant Classification Process June 2021. Collection method: clinical testing. Allele origin: germline. Affected: yes.
Comment: Not observed at significant frequency in large population cohorts (gnomAD); In silico analysis supports that this missense variant does not alter protein structure/function; Has not been previously published as pathogenic or benign to our knowledge

Labcorp Genetics (formerly Invitae), Labcorp
Classification: Uncertain significance for Idiopathic generalized epilepsy; Hyperaldosteronism, familial, type IV. Last evaluated: 2019-06-13. Review status: criteria provided, single submitter. Criteria: Invitae Variant Classification Sherloc (09022015). Collection method: clinical testing. Allele origin: germline.
Comment: This sequence change replaces glycine with valine at codon 2127 of the CACNA1H protein (p.Gly2127Val). The glycine residue is weakly conserved and there is a moderate physicochemical difference between glycine and valine. In summary, the available evidence is currently insufficient to determine the role of this variant in disease. Therefore, it has been classified as a Variant of Uncertain Significance. Algorithms developed to predict the effect of missense changes on protein structure and function are either unavailable or do not agree on the potential impact of this missense change (SIFT: "Tolerated"; PolyPhen-2: "Possibly Damaging"; Align-GVGD: "Class C0"). This variant has not been reported in the literature in individuals with CACNA1H-related conditions. This variant is not present in population databases (ExAC no frequency).

NM_021098.3(CACNA1H):c.6380G>T (p.Gly2127Val)

Gene: CACNA1H (calcium voltage-gated channel subunit alpha1 H; plus strand). Cytogenetic location: 16p13.3.
Variant type: single nucleotide variant.
Coding change: c.6380G>T on transcript NM_021098.3 (MANE Select); coding-DNA position 6380, G replaced by T.
Protein change: p.Gly2127Val; replaces glycine 2127 with valine.
Molecular consequence: missense variant.
Genome position (GRCh38, 1-based): chr16:1,220,312, G>T. VCF-style: chr16-1220312-G-T. GRCh37 (hg19) VCF-style: chr16-1270312-G-T.
Other names: c.6362G>T, p.Gly2121Val (NM_001005407.2); short protein forms G2121V, G2127V.
Identifiers: ClinVar variation 935082 (VCV000935082.11), dbSNP rs769490814, ClinGen allele CA394149624.